The following is an entry in ClinVar:

NM_000218.3(KCNQ1):c.1259A>G (p.Lys420Arg)

Gene: KCNQ1 (potassium voltage-gated channel subfamily Q member 1; plus strand). Cytogenetic location: 11p15.5.
Variant type: single nucleotide variant.
Coding change: c.1259A>G on transcript NM_000218.3 (MANE Select); coding-DNA position 1259, A replaced by G.
Protein change: p.Lys420Arg; replaces lysine 420 with arginine.
Molecular consequence: missense variant.
Genome position (GRCh38, 1-based): chr11:2,588,720, A>G. VCF-style: chr11-2588720-A-G. GRCh37 (hg19) VCF-style: chr11-2609950-A-G.
Other names: c.1163A>G, p.Lys388Arg (NM_001406836.1); c.989A>G, p.Lys330Arg (NM_001406837.1); c.719A>G, p.Lys240Arg (NM_001406838.1); c.878A>G, p.Lys293Arg (NM_181798.2); short protein forms K240R, K293R, K330R, K420R, K388R.
Identifiers: ClinVar variation 1762495 (VCV001762495.3), dbSNP rs2493708209, ClinGen allele CA379134909.
Genomic context (GRCh38, chr11:2,588,720, plus strand): 5'-GGCCTGGCAGACGATGTCCAGGAACCGCTAATCTGTTGTCTTGTTTTTTTTAGGTAAAGA[A>G]AAAAAAGTTCAAGCTGGACAAAGACAATGGGGTGACTCCTGGAGAGAAGATGCTCACAGT-3'
Protein context (NP_000209.2, residues 410-430): PKPKKSVVVK[Lys420Arg]KKFKLDKDNG

ClinVar aggregate classification (germline): Uncertain significance. Review status: criteria provided, multiple submitters, no conflicts (2 of 4 stars). 2 submissions from 2 submitters: Uncertain significance (2). Last evaluated 2025-09-23.

Conditions:
Cardiac arrhythmia. Also called: Arrhythmia; Cardiac rhythm disease. Identifiers: MedGen C0003811, MONDO:0007263, HP:0011675.
Cardiovascular phenotype. Identifiers: MedGen CN230736.

Submissions (2):

Color Diagnostics, LLC DBA Color Health
Classification: Uncertain significance for Cardiac arrhythmia. Last evaluated: 2025-09-23. Review status: criteria provided, single submitter. Criteria: ACMG Guidelines, 2015. Collection method: clinical testing. Allele origin: germline.
Comment: This missense variant replaces lysine with arginine at codon 420 of the KCNQ1 protein. Computational prediction is inconclusive regarding the impact of this variant on protein structure and function. To our knowledge, functional studies have not been reported for this variant. This variant has not been reported in individuals affected with KCNQ1-related disorders in the literature. This variant has not been identified in the general population by the Genome Aggregation Database (gnomAD). The available evidence is insufficient to determine the role of this variant in disease conclusively. Therefore, this variant is classified as a Variant of Uncertain Significance.

Ambry Genetics
Classification: Uncertain significance for Cardiovascular phenotype. Last evaluated: 2022-08-26. Review status: criteria provided, single submitter. Criteria: Ambry Variant Classification Scheme 2023. Collection method: clinical testing. Allele origin: germline.
Comment: The p.K420R variant (also known as c.1259A>G), located in coding exon 10 of the KCNQ1 gene, results from an A to G substitution at nucleotide position 1259. The lysine at codon 420 is replaced by arginine, an amino acid with highly similar properties. This amino acid position is well conserved in available vertebrate species. In addition, the in silico prediction for this alteration is inconclusive. Since supporting evidence is limited at this time, the clinical significance of this alteration remains unclear.